The following is an entry in ClinVar:

ClinVar aggregate classification (germline): Likely benign (1 of 4 stars; one submission).

gnomAD v4.1: 2 of 1,614,120 alleles (0.00012%); highest among the groups gnomAD compares: Non-Finnish European, 0.000085%; no homozygotes.

Submission:

CeGaT Center for Human Genetics Tuebingen
Classification: Likely benign. Last evaluated: 2026-06-01. Review status: criteria provided, single submitter. Criteria: CeGaT Center For Human Genetics Tuebingen Variant Classification Criteria Version 2. Collection method: clinical testing. Allele origin: germline. Affected: yes. Observed: 1 variant allele.
Comment: TRAPPC9: BP4, BP7

NM_001160372.4(TRAPPC9):c.1011T>C (p.Tyr337=)

Gene: TRAPPC9 (trafficking protein particle complex subunit 9; minus strand). Cytogenetic location: 8q24.3.
Variant type: single nucleotide variant.
Coding change: c.1011T>C on transcript NM_001160372.4 (MANE Select); coding-DNA position 1011, T replaced by C.
Protein change: p.Tyr337=; no amino-acid change (tyrosine 337 retained).
Molecular consequence: synonymous variant. On other transcripts: non-coding transcript variant (1).
Genome position (GRCh38, 1-based): chr8:140,397,743, A>G on the plus strand (T>C on the coding strand, the complement: TRAPPC9 is on the minus strand). VCF-style: chr8-140397743-A-G. GRCh37 (hg19) VCF-style: chr8-141407842-A-G.
Other names: c.984T>C, p.Tyr328= (NM_001321646.2); c.1032T>C, p.Tyr344= (NM_001374682.1); c.1011T>C, p.Tyr337= (NM_001374683.1, NM_001374684.1, NM_031466.8).
Identifiers: ClinVar variation 4875277 (VCV004875277.2).